The following is an entry in ClinVar:

ClinVar aggregate classification (germline): Uncertain significance (1 of 4 stars; one submission).

Submission:

Labcorp Genetics (formerly Invitae), Labcorp
Classification: Uncertain significance. Last evaluated: 2024-05-06. Review status: criteria provided, single submitter. Criteria: Invitae Variant Classification Sherloc (09022015). Collection method: clinical testing. Allele origin: germline.
Comment: This sequence change replaces glutamic acid, which is acidic and polar, with aspartic acid, which is acidic and polar, at codon 2874 of the PCNT protein (p.Glu2874Asp). This variant is not present in population databases (gnomAD no frequency). This variant has not been reported in the literature in individuals affected with PCNT-related conditions. ClinVar contains an entry for this variant (Variation ID: 1477217). An algorithm developed to predict the effect of missense changes on protein structure and function (PolyPhen-2) suggests that this variant is likely to be disruptive. In summary, the available evidence is currently insufficient to determine the role of this variant in disease. Therefore, it has been classified as a Variant of Uncertain Significance.

NM_006031.6(PCNT):c.8622A>C (p.Glu2874Asp)

Gene: PCNT (pericentrin; plus strand). Cytogenetic location: 21q22.3.
Variant type: single nucleotide variant.
Coding change: c.8622A>C on transcript NM_006031.6 (MANE Select); coding-DNA position 8622, A replaced by C.
Protein change: p.Glu2874Asp; replaces glutamic acid 2874 with aspartic acid.
Molecular consequence: missense variant. On other transcripts: intron variant (1).
Genome position (GRCh38, 1-based): chr21:46,432,086, A>C. VCF-style: chr21-46432086-A-C. GRCh37 (hg19) VCF-style: chr21-47852000-A-C.
Other names: c.8160+108A>C (NM_001315529.2); short protein forms E2874D.
Identifiers: ClinVar variation 1477217 (VCV001477217.8), dbSNP rs774517427, ClinGen allele CA410573923.